The following is an entry in ClinVar:

NM_032638.5(GATA2):c.1437_1438delinsTT (p.Met479_Gly480delinsIleCys)

Gene: GATA2 (GATA binding protein 2; minus strand). Cytogenetic location: 3q21.3.
Variant type: Indel.
Coding change: c.1437_1438delinsTT on transcript NM_032638.5 (MANE Select); coding-DNA positions 1437 to 1438, GG replaced by TT.
Protein change: p.Met479_Gly480delinsIleCys.
Molecular consequence: missense variant.
Genome position (GRCh38, 1-based): chr3:128,481,024-128,481,025, CC replaced by AA on the plus strand (GG replaced by TT on the coding strand, the reverse complement: GATA2 is on the minus strand). VCF-style: chr3-128481024-CC-AA. GRCh37 (hg19) VCF-style: chr3-128199867-CC-AA.
Other names: c.1437_1438delinsTT, p.Met479_Gly480delinsIleCys (NM_001145661.2); c.1395_1396delinsTT, p.Met465_Gly466delinsIleCys (NM_001145662.1).
Identifiers: ClinVar variation 4028506 (VCV004028506.1).
Genomic context (GRCh38, chr3:128,481,024, plus strand): 5'-AAGGGTTTGGTCCACCCATCCCGGGAGTGCCCGGTCCTCGACGTCCATCTGTTCCCTAGC[CC>AA]ATGGCGGTCACCATGCTGGACGGGTGGGGGTGGCCGAAGGAGAGGCTGGAGGAGGGGTGG-3'

ClinVar aggregate classification (germline): Uncertain significance (1 of 4 stars; one submission).

Conditions:
Inborn genetic diseases. Identifiers: MedGen C0950123, MeSH D030342.

Submission:

Ambry Genetics
Classification: Uncertain significance for Inborn genetic diseases. Last evaluated: 2025-05-30. Review status: criteria provided, single submitter. Criteria: Ambry Variant Classification Scheme 2023. Collection method: clinical testing. Allele origin: germline.
Comment: The c.1437_1438delGGinsTT variant (also known as p.M479_G480delinsIC), located in coding exon 5 of the GATA2 gene, results from an in-frame deletion of GG and insertion of TT at nucleotide positions 1437 to 1438. This results in the substitution of methionine and glycine residues for an isoleucine and cysteine residue at codons 479 and 480. This amino acid region is highly conserved in available vertebrate species. In addition, the in silico prediction for this variant is inconclusive (Choi Y et al. PLoS ONE. 2012; 7(10):e46688). Based on the available evidence, the clinical significance of this variant remains unclear.